The following is an entry in ClinVar:

ClinVar aggregate classification (germline): Likely pathogenic (1 of 4 stars; one submission).

Conditions:
Neurodevelopmental disorder with hypotonia and variable intellectual and behavioral abnormalities. Identifiers: MedGen C5231423, MONDO:0032829, OMIM 618603.

Submission:

Variantyx, Inc.
Classification: Likely pathogenic for Neurodevelopmental disorder with hypotonia and variable intellectual and behavioral abnormalities. Last evaluated: 2025-09-20. Review status: criteria provided, single submitter. Criteria: Variantyx Assertion Criteria 2022. Collection method: clinical testing. Allele origin: de novo. Inheritance: Autosomal dominant inheritance. Affected: yes.
Comment: This is a nonsynonymous variant in the POLR2A gene (OMIM: 180660). Pathogenic variants in this gene have been associated with autosomal dominant neurodevelopmental disorder with hypotonia and variable intellectual and behavioral abnormalities. (PMID:31353023). Multiple computational algorithms predict a deleterious effect for this variant (REVEL score: 0.818) (PP3). This variant is absent from control populations (PM2, and it has not been reported in individuals with POLR2A-related disorders in the databases available for review. Based on the current evidence, this variant is classified as likely pathogenic for autosomal dominant neurodevelopmental disorder with hypotonia and variable intellectual and behavioral abnormalities.

Literature cited by the submitters: PubMed 31353023.

NM_000937.5(POLR2A):c.2467G>T (p.Val823Leu)

Genes: POLR2A (RNA polymerase II subunit A; plus strand), LOC126862481 (BRD4-independent group 4 enhancer GRCh37_chr17:7405086-7406285; plus strand). Cytogenetic location: 17p13.1.
Variant type: single nucleotide variant.
Coding change: c.2467G>T on transcript NM_000937.5 (MANE Select); coding-DNA position 2467, G replaced by T.
Protein change: p.Val823Leu; replaces valine 823 with leucine.
Molecular consequence: missense variant.
Genome position (GRCh38, 1-based): chr17:7,502,017, G>T. VCF-style: chr17-7502017-G-T. GRCh37 (hg19) VCF-style: chr17-7405336-G-T.
Other names: short protein forms V823L.
Identifiers: ClinVar variation 4850774 (VCV004850774.1).